The following is an entry in ClinVar:

ClinVar aggregate classification (germline): Uncertain significance (1 of 4 stars; one submission).

gnomAD v4.1: 1 of 1,613,982 alleles (0.000062%); highest among the groups gnomAD compares: Admixed American, 0.0017%; no homozygotes.

Submission:

Labcorp Genetics (formerly Invitae), Labcorp
Classification: Uncertain significance. Last evaluated: 2025-08-26. Review status: criteria provided, single submitter. Criteria: Invitae Variant Classification Sherloc (09022015). Collection method: clinical testing. Allele origin: germline.
Comment: This sequence change replaces serine, which is neutral and polar, with threonine, which is neutral and polar, at codon 508 of the MYLK3 protein (p.Ser508Thr). This variant is present in population databases (no rsID available, gnomAD 0.003%). This variant has not been reported in the literature in individuals affected with MYLK3-related conditions. ClinVar contains an entry for this variant (Variation ID: 3673808). An algorithm developed to predict the effect of missense changes on protein structure and function (PolyPhen-2) suggests that this variant is likely to be tolerated. In summary, the available evidence is currently insufficient to determine the role of this variant in disease. Therefore, it has been classified as a Variant of Uncertain Significance.

NM_182493.3(MYLK3):c.1522T>A (p.Ser508Thr)

Gene: MYLK3 (myosin light chain kinase 3; minus strand). Cytogenetic location: 16q11.2.
Variant type: single nucleotide variant.
Coding change: c.1522T>A on transcript NM_182493.3 (MANE Select); coding-DNA position 1522, T replaced by A.
Protein change: p.Ser508Thr; replaces serine 508 with threonine.
Molecular consequence: missense variant.
Genome position (GRCh38, 1-based): chr16:46,730,639, A>T on the plus strand (T>A on the coding strand, the complement: MYLK3 is on the minus strand). VCF-style: chr16-46730639-A-T. GRCh37 (hg19) VCF-style: chr16-46764551-A-T.
Other names: c.499T>A, p.Ser167Thr (NM_001308301.1); short protein forms S167T, S508T.
Identifiers: ClinVar variation 3673808 (VCV003673808.2).